The following is an entry in ClinVar:

NM_015215.4(CAMTA1):c.3573G>C (p.Glu1191Asp)

Gene: CAMTA1 (calmodulin binding transcription activator 1; plus strand). Cytogenetic location: 1p36.23.
Variant type: single nucleotide variant.
Coding change: c.3573G>C on transcript NM_015215.4 (MANE Select); coding-DNA position 3573, G replaced by C.
Protein change: p.Glu1191Asp; replaces glutamic acid 1191 with aspartic acid.
Molecular consequence: missense variant.
Genome position (GRCh38, 1-based): chr1:7,737,485, G>C. VCF-style: chr1-7737485-G-C. GRCh37 (hg19) VCF-style: chr1-7797545-G-C.
Other names: p.Glu1191Asp; c.3573G>C, p.Glu1191Asp (NM_001349610.2, NM_001349609.2); c.3483G>C, p.Glu1161Asp (NM_001349612.2, NM_001349608.2); c.702G>C, p.Glu234Asp (NM_001349613.1); c.645G>C, p.Glu215Asp (NM_001349614.1, NM_001349615.2, NM_001349616.2 and 10 more transcripts); short protein forms E215D, E234D, E1161D, E1191D.
Identifiers: ClinVar variation 730882 (VCV000730882.15), dbSNP rs79362784, ClinGen allele CA566978.

ClinVar aggregate classification (germline): Benign. Review status: criteria provided, multiple submitters, no conflicts (2 of 4 stars). 3 submissions from 3 submitters: Benign (3). Last evaluated 2025-11-24.

Allele frequency attached by ClinVar (database versions not stated): ExAC 0.00082; 1000 Genomes Project 0.00140; 1000 Genomes Project 30x 0.00141; TOPMed 0.00255; gnomAD 0.00256 and 0.00282; ESP Exome Variant Server 0.00331.
gnomAD v4.1: 782 of 1,614,186 alleles (0.048%); highest among the groups gnomAD compares: African/African-American, 0.84%; 2 homozygotes.

Submissions (3):

Labcorp Genetics (formerly Invitae), Labcorp
Classification: Benign. Last evaluated: 2025-11-24. Review status: criteria provided, single submitter. Criteria: Invitae Variant Classification Sherloc (09022015). Collection method: clinical testing. Allele origin: germline.

CeGaT Center for Human Genetics Tuebingen
Classification: Benign. Last evaluated: 2025-10-01. Review status: criteria provided, single submitter. Criteria: CeGaT Center For Human Genetics Tuebingen Variant Classification Criteria Version 2. Collection method: clinical testing. Allele origin: germline. Affected: yes. Observed: 1 variant allele.
Comment: CAMTA1: BP4, BS1, BS2

Mayo Clinic Laboratories, Mayo Clinic
Classification: Benign. Last evaluated: 2025-03-04. Review status: criteria provided, single submitter. Criteria: ACMG Guidelines, 2015. Collection method: clinical testing. Allele origin: germline. Observed: 1 variant allele.
Comment: BS1, BS2, BP4